The following is an entry in ClinVar:

ClinVar aggregate classification (germline): Benign. Review status: criteria provided, single submitter (1 of 4 stars). 2 submissions from 2 submitters: Benign (1). 1 of the submissions does not count toward it. Last evaluated 2025-10-08.

Conditions:
SETD2-related disorder.
Luscan-Lumish syndrome. Identifiers: Orphanet 597738, MedGen C4085873, MONDO:0014791, OMIM 616831.

Allele frequency attached by ClinVar (database versions not stated): gnomAD 0.00008.
gnomAD v4.1: 70 of 1,613,876 alleles (0.0043%); highest among the groups gnomAD compares: African/African-American, 0.0027%; no homozygotes.

Submissions (2):

Labcorp Genetics (formerly Invitae), Labcorp
Classification: Benign for Luscan-Lumish syndrome. Last evaluated: 2025-10-08. Review status: criteria provided, single submitter. Criteria: Invitae Variant Classification Sherloc (09022015). Collection method: clinical testing. Allele origin: germline.

PreventionGenetics, part of Exact Sciences
Classification: Likely benign for SETD2-related condition. Last evaluated: 2019-03-06. Review status: no assertion criteria provided. Collection method: clinical testing. Allele origin: germline. Not counted in ClinVar's aggregate classification.
Comment: This variant is classified as likely benign based on ACMG/AMP sequence variant interpretation guidelines (Richards et al. 2015 PMID: 25741868, with internal and published modifications).

NM_014159.7(SETD2):c.5547G>A (p.Ser1849=)

Gene: SETD2 (SET domain containing 2, histone lysine methyltransferase; minus strand). Cytogenetic location: 3p21.31.
Variant type: single nucleotide variant.
Coding change: c.5547G>A on transcript NM_014159.7 (MANE Select); coding-DNA position 5547, G replaced by A.
Protein change: p.Ser1849=; no amino-acid change (serine 1849 retained).
Molecular consequence: synonymous variant. On other transcripts: non-coding transcript variant (1).
Genome position (GRCh38, 1-based): chr3:47,084,233, C>T on the plus strand (G>A on the coding strand, the complement: SETD2 is on the minus strand). VCF-style: chr3-47084233-C-T. GRCh37 (hg19) VCF-style: chr3-47125723-C-T.
Other names: c.5415G>A, p.Ser1805= (NM_001349370.3).
Identifiers: ClinVar variation 2057730 (VCV002057730.6), dbSNP rs750812600, ClinGen allele CA2362885.